The following is an entry in ClinVar:

ClinVar aggregate classification (germline): Pathogenic. Review status: criteria provided, multiple submitters, no conflicts (2 of 4 stars). 3 submissions from 3 submitters: Pathogenic (3). Last evaluated 2021-04-28.

Conditions:
Hypertrophic cardiomyopathy. Also called: HYPERTROPHIC MYOCARDIOPATHY. Identifiers: Orphanet 217569, MedGen C0007194, MeSH D002312, MONDO:0005045, HP:0001639.

Submissions (3):

Labcorp Genetics (formerly Invitae), Labcorp
Classification: Pathogenic for Hypertrophic cardiomyopathy. Last evaluated: 2021-04-28. Review status: criteria provided, single submitter. Criteria: Invitae Variant Classification Sherloc (09022015). Collection method: clinical testing. Allele origin: germline.
Comment: This variant has been observed in individual(s) with hypertrophic cardiomyopathy (PMID: 27532257). ClinVar contains an entry for this variant (Variation ID: 164048). For these reasons, this variant has been classified as Pathogenic. This variant is not present in population databases (ExAC no frequency). This sequence change creates a premature translational stop signal (p.Tyr1043*) in the MYBPC3 gene. It is expected to result in an absent or disrupted protein product. Loss-of-function variants in MYBPC3 are known to be pathogenic (PMID: 19574547).

Center for Advanced Laboratory Medicine, UC San Diego Health, University of California San Diego
Classification: Pathogenic for Hypertrophic cardiomyopathy. Last evaluated: 2018-11-14. Review status: criteria provided, single submitter. Criteria: ACMG Guidelines, 2015. Collection method: clinical testing. Allele origin: germline. Affected: yes. Observed: 1 variant allele.

Laboratory for Molecular Medicine, Mass General Brigham Personalized Medicine
Classification: Pathogenic for Hypertrophic cardiomyopathy. Last evaluated: 2013-01-04. Review status: criteria provided, single submitter. Criteria: LMM Criteria. Collection method: clinical testing. Allele origin: germline. Inheritance: Autosomal dominant inheritance. Observed: 2 variant alleles.
Comment: proposed classification - variant undergoing re-assessment, contact laboratory

Literature cited by the submitters: PubMed 27532257 (cited by Labcorp Genetics (formerly Invitae), Labcorp); PubMed 19574547 (cited by Labcorp Genetics (formerly Invitae), Labcorp).

NM_000256.3(MYBPC3):c.3129C>A (p.Tyr1043Ter)

Gene: MYBPC3 (myosin binding protein C3; minus strand). Cytogenetic location: 11p11.2.
Variant type: single nucleotide variant.
Coding change: c.3129C>A on transcript NM_000256.3 (MANE Select); coding-DNA position 3129, C replaced by A.
Protein change: p.Tyr1043Ter; replaces tyrosine 1043 with a stop codon.
Molecular consequence: nonsense.
Genome position (GRCh38, 1-based): chr11:47,333,618, G>T on the plus strand (C>A on the coding strand, the complement: MYBPC3 is on the minus strand). VCF-style: chr11-47333618-G-T. GRCh37 (hg19) VCF-style: chr11-47355169-G-T.
Other names: short protein forms Y1043*.
Identifiers: ClinVar variation 164048 (VCV000164048.12), dbSNP rs573821685, ClinGen allele CA013521.